The following is an entry in ClinVar:

ClinVar aggregate classification (germline): Uncertain significance (1 of 4 stars; one submission).

Allele frequency attached by ClinVar (database versions not stated): ExAC 0.00001; gnomAD 0.00001; TOPMed 0.00001.
gnomAD v4.1: 15 of 1,613,344 alleles (0.00093%); highest among the groups gnomAD compares: South Asian, 0.0055%; no homozygotes.

Submission:

Labcorp Genetics (formerly Invitae), Labcorp
Classification: Uncertain significance. Last evaluated: 2024-10-04. Review status: criteria provided, single submitter. Criteria: Invitae Variant Classification Sherloc (09022015). Collection method: clinical testing. Allele origin: germline.
Comment: This sequence change replaces valine, which is neutral and non-polar, with methionine, which is neutral and non-polar, at codon 1030 of the AP3D1 protein (p.Val1030Met). This variant is present in population databases (rs753440657, gnomAD 0.007%). This variant has not been reported in the literature in individuals affected with AP3D1-related conditions. An algorithm developed to predict the effect of missense changes on protein structure and function (PolyPhen-2) suggests that this variant is likely to be tolerated. In summary, the available evidence is currently insufficient to determine the role of this variant in disease. Therefore, it has been classified as a Variant of Uncertain Significance.

NM_001261826.3(AP3D1):c.3088G>A (p.Val1030Met)

Gene: AP3D1 (adaptor related protein complex 3 subunit delta 1; minus strand). Cytogenetic location: 19p13.3.
Variant type: single nucleotide variant.
Coding change: c.3088G>A on transcript NM_001261826.3 (MANE Select); coding-DNA position 3088, G replaced by A.
Protein change: p.Val1030Met; replaces valine 1030 with methionine.
Molecular consequence: missense variant.
Genome position (GRCh38, 1-based): chr19:2,110,794, C>T on the plus strand (G>A on the coding strand, the complement: AP3D1 is on the minus strand). VCF-style: chr19-2110794-C-T. GRCh37 (hg19) VCF-style: chr19-2110793-C-T.
Other names: c.3052G>A, p.Val1018Met (NM_001374799.1); c.2902G>A, p.Val968Met (NM_003938.8); short protein forms V1018M, V1030M, V968M.
Identifiers: ClinVar variation 2707884 (VCV002707884.3), dbSNP rs753440657, ClinGen allele CA9058572.